The following is an entry in ClinVar:

NM_000642.3(AGL):c.2001+8_2001+9delinsCG

Gene: AGL (amylo-alpha-1,6-glucosidase and 4-alpha-glucanotransferase; plus strand). Cytogenetic location: 1p21.2.
Variant type: Indel.
Coding change: c.2001+8_2001+9delinsCG on transcript NM_000642.3 (MANE Select); bases 8 to 9 of the intron after coding-DNA position 2001, TA replaced by CG.
Molecular consequence: intron variant.
Genome position (GRCh38, 1-based): chr1:99,881,185-99,881,186, TA replaced by CG. VCF-style: chr1-99881185-TA-CG. GRCh37 (hg19) VCF-style: chr1-100346741-TA-CG.
Other names: c.2001+8_2001+9delinsCG (NM_000643.3, NM_000644.3, NM_001425326.1 and 2 more transcripts); c.1953+8_1953+9delinsCG (NM_000646.3); c.1800+8_1800+9delinsCG (NM_001425327.1); c.1797+8_1797+9delinsCG (NM_001425328.1, NM_001425329.1); c.1623+8_1623+9delinsCG (NM_001425332.1).
Identifiers: ClinVar variation 966614 (VCV000966614.10), dbSNP rs1064794512, ClinGen allele CA1139656248.
Genomic context (GRCh38, chr1:99,881,185, plus strand): 5'-CATGTTGTGCTAGTGGAAGTACAAGAGGCTATGATGAATTAGTGCCTCATCAGGTTTGTT[TA>CG]TATGTTGTTTCTTAAAACCTACATGGCCAACAACTTTGGGCATTTTTATTAAAAAAAATT-3'

ClinVar aggregate classification (germline): Uncertain significance (1 of 4 stars; one submission).

Conditions:
Glycogen storage disease type III (GSD3). Also called: FORBES DISEASE; Cori disease. Identifiers: Orphanet 366, MedGen C0017922, MONDO:0009291, OMIM 232400.

Submission:

Labcorp Genetics (formerly Invitae), Labcorp
Classification: Uncertain significance for Glycogen storage disease type III. Last evaluated: 2020-03-12. Review status: criteria provided, single submitter. Criteria: Invitae Variant Classification Sherloc (09022015). Collection method: clinical testing. Allele origin: germline.
Comment: In summary, the available evidence is currently insufficient to determine the role of this variant in disease. Therefore, it has been classified as a Variant of Uncertain Significance. Algorithms developed to predict the effect of sequence changes on RNA splicing suggest that this variant may create or strengthen a splice site, but this prediction has not been confirmed by published transcriptional studies. This variant has not been reported in the literature in individuals with AGL-related conditions. The frequency data for this variant in the population databases is not available, as this variant may be reported as separate entries in the ExAC database. This sequence change falls in intron 15 of the AGL gene. It does not directly change the encoded amino acid sequence of the AGL protein.